The following is an entry in ClinVar:

ClinVar aggregate classification (germline): Uncertain significance (0 of 4 stars; one submission).

Conditions:
GNAS-related disorder. Identifiers: MedGen CN380105.

gnomAD v4.1: 4 of 1,549,712 alleles (0.00026%); highest among the groups gnomAD compares: Non-Finnish European, 0.00035%; 1 homozygote.

Submission:

PreventionGenetics, part of Exact Sciences
Classification: Uncertain significance for GNAS-related condition. Last evaluated: 2024-08-28. Review status: no assertion criteria provided. Collection method: clinical testing. Allele origin: germline.
Comment: The GNAS c.28A>G variant is predicted to result in the amino acid substitution p.Asn10Asp. This variant is also referred to as c.-38434A>G (Pre-Coding) with the more commonly reported NM_000516 transcript. To our knowledge, this variant has not been reported in the literature. This variant is reported in 0.0017% of alleles in individuals of European (Non-Finnish) descent in gnomAD. At this time, the clinical significance of this variant is uncertain due to the absence of conclusive functional and genetic evidence.

NM_080425.4(GNAS):c.28A>G (p.Asn10Asp)

Gene: GNAS (GNAS complex locus; plus strand). Cytogenetic location: 20q13.32.
Variant type: single nucleotide variant.
Coding change: c.28A>G on transcript NM_080425.4 (MANE Plus Clinical); coding-DNA position 28, A replaced by G.
Protein change: p.Asn10Asp; replaces asparagine 10 with aspartic acid.
Molecular consequence: missense variant. On other transcripts: 5 prime UTR variant (2), intron variant (3).
Genome position (GRCh38, 1-based): chr20:58,853,293, A>G. VCF-style: chr20-58853293-A-G. GRCh37 (hg19) VCF-style: chr20-57428348-A-G.
Other names: c.-160A>G (NM_001077490.3, NM_001309883.1); c.28A>G, p.Asn10Asp (NM_001410913.1); c.*42+12407A>G (NM_016592.5); c.43+12407A>G (NM_001410912.1); c.-39+11418A>G (NM_001309861.2); short protein forms N10D.
Identifiers: ClinVar variation 3354800 (VCV003354800.1).